The following is an entry in ClinVar:

ClinVar aggregate classification (germline): Likely benign (1 of 4 stars; one submission).

Allele frequency attached by ClinVar (database versions not stated): gnomAD exomes below 0.00001.
gnomAD v4.1: 2 of 1,614,254 alleles (0.00012%); highest among the groups gnomAD compares: Non-Finnish European, 0.00017%; no homozygotes.

Submission:

CeGaT Center for Human Genetics Tuebingen
Classification: Likely benign. Last evaluated: 2024-04-01. Review status: criteria provided, single submitter. Criteria: CeGaT Center For Human Genetics Tuebingen Variant Classification Criteria Version 2. Collection method: clinical testing. Allele origin: germline. Affected: yes. Observed: 1 variant allele.
Comment: ALS2: PM2:Supporting, BP4, BP7

NM_020919.4(ALS2):c.3846A>G (p.Leu1282=)

Gene: ALS2 (alsin Rho guanine nucleotide exchange factor ALS2; minus strand). Cytogenetic location: 2q33.1.
Variant type: single nucleotide variant.
Coding change: c.3846A>G on transcript NM_020919.4 (MANE Select); coding-DNA position 3846, A replaced by G.
Protein change: p.Leu1282=; no amino-acid change (leucine 1282 retained).
Molecular consequence: synonymous variant.
Genome position (GRCh38, 1-based): chr2:201,715,830, T>C on the plus strand (A>G on the coding strand, the complement: ALS2 is on the minus strand). VCF-style: chr2-201715830-T-C. GRCh37 (hg19) VCF-style: chr2-202580553-T-C.
Other names: c.3843A>G, p.Leu1281= (NM_001410975.1).
Identifiers: ClinVar variation 3234681 (VCV003234681.20), dbSNP rs2469724789, ClinGen allele CA430638374.